The following is an entry in ClinVar:

NM_001365276.2(TNXB):c.443T>C (p.Val148Ala)

Gene: TNXB (tenascin XB; minus strand). Cytogenetic location: 6p21.33.
Variant type: single nucleotide variant.
Coding change: c.443T>C on transcript NM_001365276.2 (MANE Select); coding-DNA position 443, T replaced by C.
Protein change: p.Val148Ala; replaces valine 148 with alanine.
Molecular consequence: missense variant.
Genome position (GRCh38, 1-based): chr6:32,097,410, A>G on the plus strand (T>C on the coding strand, the complement: TNXB is on the minus strand). VCF-style: chr6-32097410-A-G. GRCh37 (hg19) VCF-style: chr6-32065187-A-G.
Other names: c.443T>C, p.Val148Ala (NM_001428335.1, NM_019105.8); short protein forms V148A.
Identifiers: ClinVar variation 4188701 (VCV004188701.1).
Genomic context (GRCh38, chr6:32,097,410, plus strand): 5'-GAGCAGGTGGGCCCACCCCAGCCTGGCTCACAGGAACAGGTGCAGCGGCTCAGATCAAAC[A>G]CACCATGGAGACTGCAGAGGGTCCGCACATCTGTCTGACCTGGAGTAGGAGGGGAGAGGC-3'
Protein context (NP_001352205.1, residues 138-158): DVRTLCSLHG[Val148Ala]FDLSRCTCSC

ClinVar aggregate classification (germline): Uncertain significance (1 of 4 stars; one submission).

Conditions:
Cardiovascular phenotype. Identifiers: MedGen CN230736.

Submission:

Ambry Genetics
Classification: Uncertain significance for Cardiovascular phenotype. Last evaluated: 2025-07-21. Review status: criteria provided, single submitter. Criteria: Ambry Variant Classification Scheme 2023. Collection method: clinical testing. Allele origin: germline.
Comment: The p.V148A variant (also known as c.443T>C), located in coding exon 2 of the TNXB gene, results from a T to C substitution at nucleotide position 443. The valine at codon 148 is replaced by alanine, an amino acid with similar properties. This amino acid position is conserved. In addition, this alteration is predicted to be tolerated by in silico analysis. Based on the available evidence, the clinical significance of this variant remains unclear.